The following is an entry in ClinVar:

ClinVar aggregate classification (germline): Benign/Likely benign. Review status: criteria provided, multiple submitters, no conflicts (2 of 4 stars). 7 submissions from 7 submitters: Benign (1); Likely benign (4). 2 of the submissions do not count toward it. Last evaluated 2026-08-01.

Conditions:
Intellectual developmental disorder, X-linked 1. Also called: Atkin Flaitz Patil Smith syndrome; MENTAL RETARDATION, X-LINKED 18; MENTAL RETARDATION, X-LINKED 78; Intellectual disability, X-linked 1. Identifiers: Orphanet 777, MedGen C2931498, MONDO:0010656, OMIM 309530.

Submissions (7):

CeGaT Center for Human Genetics Tuebingen
Classification: Likely benign. Last evaluated: 2026-08-01. Review status: criteria provided, single submitter. Criteria: CeGaT Center For Human Genetics Tuebingen Variant Classification Criteria Version 2. Collection method: clinical testing. Allele origin: germline. Affected: yes. Observed: 1 variant allele.
Comment: IQSEC2: BS2

Labcorp Genetics (formerly Invitae), Labcorp
Classification: Benign for Intellectual developmental disorder, X-linked 1. Last evaluated: 2025-11-17. Review status: criteria provided, single submitter. Criteria: Invitae Variant Classification Sherloc (09022015). Collection method: clinical testing. Allele origin: germline.

Athena Diagnostics
Classification: Likely benign. Last evaluated: 2024-03-04. Review status: criteria provided, single submitter. Criteria: Athena Diagnostics Criteria. Collection method: clinical testing. Allele origin: unknown.

GeneDx
Classification: Likely benign. Last evaluated: 2023-04-28. Review status: criteria provided, single submitter. Criteria: GeneDx Variant Classification Process June 2021. Collection method: clinical testing. Allele origin: germline. Affected: yes.
Comment: See Variant Classification Assertion Criteria.

Centre for Mendelian Genomics, University Medical Centre Ljubljana
Classification: Likely benign for Intellectual developmental disorder, X-linked 1. Last evaluated: 2019-10-01. Review status: criteria provided, single submitter. Criteria: ACMG Guidelines, 2015. Collection method: clinical testing. Allele origin: unknown. Affected: yes.
Comment: This variant was classified as: Likely benign. The following ACMG criteria were applied in classifying this variant: BS2,BP4. This variant was detected in hemizygous state.

Clinical Genetics DNA and cytogenetics Diagnostics Lab, Erasmus MC, Erasmus Medical Center
Classification: Likely benign. Review status: no assertion criteria provided. Collection method: clinical testing. Allele origin: germline. Affected: yes. Study: VKGL Data-share Consensus. Not counted in ClinVar's aggregate classification.

Genome Diagnostics Laboratory, University Medical Center Utrecht
Classification: Likely benign. Review status: no assertion criteria provided. Collection method: clinical testing. Allele origin: germline. Affected: yes. Study: VKGL Data-share Consensus. Not counted in ClinVar's aggregate classification.

NM_001111125.3(IQSEC2):c.1402-15dup

Gene: IQSEC2 (IQ motif and Sec7 domain ArfGEF 2; minus strand). Cytogenetic location: Xp11.22.
Variant type: Duplication.
Coding change: c.1402-15dup on transcript NM_001111125.3 (MANE Select); 15 bases into the intron before coding-DNA position 1402, one base duplicated (C; older notation c.1402-15dupC).
Molecular consequence: intron variant.
Genome position (GRCh38, 1-based): chrX:53,251,183, G duplicated on the plus strand (C on the coding strand, the reverse complement: IQSEC2 is on the minus strand); the first of 7 consecutive G bases (chrX:53,251,183-53,251,189); duplicating any one gives the same sequence. VCF-style (leftmost placement, unchanged base first): chrX-53251182-A-AG. GRCh37 (hg19) VCF-style: chrX-53280364-A-AG.
Other names: c.787-15dup (NM_015075.2); c.1402-9_1402-8insC (NM_001111125.2).
Identifiers: ClinVar variation 772898 (VCV000772898.20), dbSNP rs781861463, ClinGen allele CA10420061.
Genomic context (GRCh38, chrX:53,251,182, plus strand): 5'-CCTGACGGGTGGCAGTTCAGGGCTTCGTCGATGGATTCAGCCAGAGACTTTACCTGTGCA[A>AG]GGGGGGGAGGAGAGGAGGGAAAGGGAGAGAAAAGAAAGAAAGATAAAGGGAAGAATGGTG-3'